The following is an entry in ClinVar:

ClinVar aggregate classification (germline): Uncertain significance. Review status: criteria provided, multiple submitters, no conflicts (2 of 4 stars). 2 submissions from 2 submitters: Uncertain significance (2). Last evaluated 2025-08-28.

Conditions:
Hereditary cancer-predisposing syndrome. Also called: Neoplastic Syndromes, Hereditary; Tumor predisposition; Hereditary neoplastic syndrome; Hereditary Cancer Syndrome. Identifiers: Orphanet 140162, MedGen C0027672, MeSH D009386, MONDO:0015356.
Cardiovascular phenotype. Identifiers: MedGen CN230736.

Allele frequency attached by ClinVar (database versions not stated): gnomAD exomes below 0.00001.
gnomAD v4.1: 1 of 1,613,604 alleles (0.000062%); highest among the groups gnomAD compares: Middle Eastern, 0.016%; no homozygotes.

Submissions (2):

Ambry Genetics
Classification: Uncertain significance for Cardiovascular phenotype; Hereditary cancer-predisposing syndrome. Last evaluated: 2025-08-28. Review status: criteria provided, single submitter. Criteria: Ambry Variant Classification Scheme 2023. Collection method: clinical testing. Allele origin: germline.
Comment: The p.M655V variant (also known as c.1963A>G), located in coding exon 17 of the LZTR1 gene, results from an A to G substitution at nucleotide position 1963. The methionine at codon 655 is replaced by valine, an amino acid with highly similar properties. This amino acid position is conserved. In addition, the in silico prediction for this alteration is inconclusive. Based on the available evidence, the clinical significance of this variant remains unclear.

Labcorp Genetics (formerly Invitae), Labcorp
Classification: Uncertain significance. Last evaluated: 2025-02-25. Review status: criteria provided, single submitter. Criteria: Invitae Variant Classification Sherloc (09022015). Collection method: clinical testing. Allele origin: germline.
Comment: This sequence change replaces methionine, which is neutral and non-polar, with valine, which is neutral and non-polar, at codon 655 of the LZTR1 protein (p.Met655Val). This variant is present in population databases (no rsID available, gnomAD 0.0009%). This variant has not been reported in the literature in individuals affected with LZTR1-related conditions. ClinVar contains an entry for this variant (Variation ID: 3238180). Invitae Evidence Modeling of protein sequence and biophysical properties (such as structural, functional, and spatial information, amino acid conservation, physicochemical variation, residue mobility, and thermodynamic stability) indicates that this missense variant is not expected to disrupt LZTR1 protein function with a negative predictive value of 80%. In summary, the available evidence is currently insufficient to determine the role of this variant in disease. Therefore, it has been classified as a Variant of Uncertain Significance.

NM_006767.4(LZTR1):c.1963A>G (p.Met655Val)

Gene: LZTR1 (leucine zipper like post translational regulator 1; plus strand). Cytogenetic location: 22q11.21.
Variant type: single nucleotide variant.
Coding change: c.1963A>G on transcript NM_006767.4 (MANE Select); coding-DNA position 1963, A replaced by G.
Protein change: p.Met655Val; replaces methionine 655 with valine.
Molecular consequence: missense variant.
Genome position (GRCh38, 1-based): chr22:20,995,766, A>G. VCF-style: chr22-20995766-A-G. GRCh37 (hg19) VCF-style: chr22-21350055-A-G.
Other names: short protein forms M655V.
Identifiers: ClinVar variation 3238180 (VCV003238180.3), dbSNP rs1356385580.